The following is an entry in ClinVar:

NM_022489.4(INF2):c.1314TCCCCC[1] (p.Pro444_Pro445del)

Gene: INF2 (inverted formin 2; plus strand). Cytogenetic location: 14q32.33.
Variant type: Microsatellite.
Coding change: c.1314TCCCCC[1] on transcript NM_022489.4 (MANE Select); one copy of the 6-base unit TCCCCC starting at c.1314; the reference has two copies in a row; one copy, 6 bases deleted; also written c.1320_1325del.
Protein change: p.Pro444_Pro445del.
Molecular consequence: inframe deletion.
Genome position (GRCh38, 1-based): chr14:104,707,587-104,707,592, TCCCCC deleted; deleting any 6 consecutive bases within chr14:104,707,576-104,707,592 gives the same sequence; the position shown is the placement nearest the transcript's 3' end. VCF-style (leftmost placement, unchanged base first): chr14-104707575-GCCCCCT-G. GRCh37 (hg19) VCF-style: chr14-105173912-GCCCCCT-G.
Other names: c.1314TCCCCC[1], p.Pro444_Pro445del (NM_001031714.4); c.1320_1325del (NM_022489.4).
Identifiers: ClinVar variation 1386675 (VCV001386675.9), dbSNP rs980563049, ClinGen allele CA267323248.
Genomic context (GRCh38, chr14:104,707,575, plus strand): 5'-GCAGGCGTCCACCCCACCCCCACCCCCACCCCCACCCCTGCTCCCTGGTTCCAGTGCCGA[GCCCCCT>G]CCCCCTCCCCCACCACCCCCCCTGCCCAGTGTGGGGGCTAAGGCCCTCCCAACAGCACCC-3'

ClinVar aggregate classification (germline): Uncertain significance. Review status: criteria provided, multiple submitters, no conflicts (2 of 4 stars). 2 submissions from 2 submitters: Uncertain significance (2). Last evaluated 2025-12-24.

Conditions:
Focal segmental glomerulosclerosis 5 (FSGS5). Identifiers: Orphanet 656, MedGen C2750475, MONDO:0013191, OMIM 613237.
Charcot-Marie-Tooth disease dominant intermediate E. Also called: CHARCOT-MARIE-TOOTH NEUROPATHY WITH FOCAL SEGMENTAL GLOMERULONEPHRITIS. Identifiers: Orphanet 93114, MedGen C4302667, MONDO:0013758, OMIM 614455.

Submissions (2):

Labcorp Genetics (formerly Invitae), Labcorp
Classification: Uncertain significance for Charcot-Marie-Tooth disease dominant intermediate E; Focal segmental glomerulosclerosis 5. Last evaluated: 2025-12-24. Review status: criteria provided, single submitter. Criteria: Invitae Variant Classification Sherloc (09022015). Collection method: clinical testing. Allele origin: germline.
Comment: This variant, c.1320_1325del, results in the deletion of 2 amino acid(s) of the INF2 protein (p.Pro444_Pro445del), but otherwise preserves the integrity of the reading frame. The frequency data for this variant in the population databases is considered unreliable, as metrics indicate poor data quality at this position in the gnomAD database. This variant has not been reported in the literature in individuals affected with INF2-related conditions. Experimental studies and prediction algorithms are not available or were not evaluated, and the functional significance of this variant is currently unknown. In summary, the available evidence is currently insufficient to determine the role of this variant in disease. Therefore, it has been classified as a Variant of Uncertain Significance.

Fulgent Genetics
Classification: Uncertain significance for Focal segmental glomerulosclerosis 5; Charcot-Marie-Tooth disease dominant intermediate E. Last evaluated: 2024-05-09. Review status: criteria provided, single submitter. Criteria: ACMG Guidelines, 2015. Collection method: clinical testing. Allele origin: germline.